The following is an entry in ClinVar:

ClinVar aggregate classification (germline): Pathogenic/Likely pathogenic. Review status: criteria provided, multiple submitters, no conflicts (2 of 4 stars). 3 submissions from 3 submitters: Pathogenic (1); Likely pathogenic (1). 1 of the submissions does not count toward it. Last evaluated 2022-06-23.

Conditions:
Charcot-Marie-Tooth disease type 4. Also called: Charcot-Marie-Tooth disease, type IV; Charcot-Marie-Tooth, Type 4. Identifiers: Orphanet 64749, MedGen C4082197, MONDO:0018995.
Charcot-Marie-Tooth disease type 4F. Also called: Charcot-Marie-Tooth disease, demyelinating, type 4F. Identifiers: Orphanet 99952, MedGen C3540453, MONDO:0013959, OMIM 614895.
Autosomal recessive Dejerine-Sottas syndrome. Also called: Autosomal recessive Dejerine-sottas neuropathy. Identifiers: MedGen CN069172.

Submissions (3):

Labcorp Genetics (formerly Invitae), Labcorp
Classification: Pathogenic for Charcot-Marie-Tooth disease type 4. Last evaluated: 2022-06-23. Review status: criteria provided, single submitter. Criteria: Invitae Variant Classification Sherloc (09022015). Collection method: clinical testing. Allele origin: germline.
Comment: This variant disrupts a region of the PRX protein in which other variant(s) (p.Gln1169*) have been determined to be pathogenic (Invitae). This suggests that this is a clinically significant region of the protein, and that variants that disrupt it are likely to be disease-causing. For these reasons, this variant has been classified as Pathogenic. This sequence change creates a premature translational stop signal (p.Asp765Thrfs*10) in the PRX gene. While this is not anticipated to result in nonsense mediated decay, it is expected to disrupt the last 697 amino acid(s) of the PRX protein. This variant is not present in population databases (gnomAD no frequency). This premature translational stop signal has been observed in individual(s) with PRX-related conditions (PMID: 11133365). This variant is also known as V763fsX774. ClinVar contains an entry for this variant (Variation ID: 208606).

Laboratory for Molecular Medicine, Mass General Brigham Personalized Medicine
Classification: Likely pathogenic for Charcot-Marie-Tooth disease, type IVF. Last evaluated: 2014-08-06. Review status: criteria provided, single submitter. Criteria: LMM Criteria. Collection method: clinical testing. Allele origin: germline. Inheritance: Autosomal recessive inheritance. Observed: 1 variant allele. Study: CSER-MedSeq.
Comment: The Asp765ThrfsX10 variant in PRX has been reported in one compound heterozygous individual with peripheral neuropathy (Boerkoel 2011). Data from large population studies is insufficient to assess the frequency of this variant. This variant is predicted to cause a frameshift, which alters the protein’s amino acid sequence beginning at position 765 and leads to a premature termination codon 10 amino acids downstream. This premature termination codon occurs in the last exon and therefore may escape nonsense mediated decay (NMD), resulting in a truncated protein. Importantly, several other truncating variants have been identified downstream of this position in several individuals with Charcot-Marie-Tooth disease type 4F (Boerkoel 2011, Kijima 2004, Marchesi 2010, Sivera 2013) indicating truncating variants in the last exon of PRX are not tolerated. In summary, this variant is likely pathogenic, though additional studies are required to fully establish its clinical significance.

OMIM
Classification: Pathogenic for DEJERINE-SOTTAS NEUROPATHY, AUTOSOMAL RECESSIVE. Last evaluated: 2001-02-01. Review status: no assertion criteria provided. Collection method: literature only. Allele origin: germline. Not counted in ClinVar's aggregate classification.

Literature cited by the submitters: PubMed 11133365 (cited by 3 submitters); PubMed 24078732 (cited by Laboratory for Molecular Medicine, Mass General Brigham Personalized Medicine); PubMed 15197604 (cited by Laboratory for Molecular Medicine, Mass General Brigham Personalized Medicine); PubMed 21079185 (cited by Laboratory for Molecular Medicine, Mass General Brigham Personalized Medicine).

NM_181882.3(PRX):c.2289del (p.Asp765fs)

Gene: PRX (periaxin; minus strand). Cytogenetic location: 19q13.2.
Variant type: Deletion.
Coding change: c.2289del on transcript NM_181882.3 (MANE Select); coding-DNA position 2289, one base deleted (T; older notation c.2289delT).
Protein change: p.Asp765fs; shifts the reading frame from aspartic acid 765.
Molecular consequence: frameshift variant. On other transcripts: 3 prime UTR variant (1).
Genome position (GRCh38, 1-based): chr19:40,396,063, A deleted on the plus strand (T on the coding strand, the reverse complement: PRX is on the minus strand); the first of 2 consecutive A bases (chr19:40,396,063-40,396,064); deleting either gives the same sequence. VCF-style (leftmost placement, unchanged base first): chr19-40396062-GA-G. GRCh37 (hg19) VCF-style: chr19-40901969-GA-G.
Other names: c.*2494del (NM_020956.2); c.2289delT (NM_181882.3, NM_181882.2); short protein forms D765fs.
Identifiers: ClinVar variation 208606 (VCV000208606.8), dbSNP rs797045102, ClinGen allele CA276018.
Genomic context (GRCh38, chr19:40,396,062, plus strand): 5'-GCTGCACCTCCGGAGCCCTGGGCAGCTTCACCTCTGGTGCCTTCGGAAGATGCACGTCGG[GA>G]ACCTTCGGCACTTGCATTTCCGGCAGCCGAATCTCTGACACTTTCGGCAGCTGCACCTCG-3'